The following is an entry in ClinVar:

ClinVar aggregate classification (germline): Uncertain significance. Review status: criteria provided, single submitter (1 of 4 stars). 2 submissions from 2 submitters: Uncertain significance (1). 1 of the submissions does not count toward it. Last evaluated 2023-12-07.

Conditions:
IFT74-related disorder. Also called: IFT74-related condition; IFT74-Related Disorders.

Allele frequency attached by ClinVar (database versions not stated): TOPMed below 0.00001; gnomAD 0.00001; gnomAD exomes 0.00001; ExAC 0.00002; 1000 Genomes Project 0.00020; 1000 Genomes Project 30x 0.00031.
gnomAD v4.1: 18 of 1,611,148 alleles (0.0011%); highest among the groups gnomAD compares: Admixed American, 0.0033%; no homozygotes.

Submissions (2):

Labcorp Genetics (formerly Invitae), Labcorp
Classification: Uncertain significance. Last evaluated: 2023-12-07. Review status: criteria provided, single submitter. Criteria: Invitae Variant Classification Sherloc (09022015). Collection method: clinical testing. Allele origin: germline.
Comment: This sequence change replaces alanine, which is neutral and non-polar, with threonine, which is neutral and polar, at codon 151 of the IFT74 protein (p.Ala151Thr). This variant is present in population databases (rs189975083, gnomAD 0.003%). This variant has not been reported in the literature in individuals affected with IFT74-related conditions. ClinVar contains an entry for this variant (Variation ID: 1933345). An algorithm developed to predict the effect of missense changes on protein structure and function (PolyPhen-2) suggests that this variant is likely to be disruptive. In summary, the available evidence is currently insufficient to determine the role of this variant in disease. Therefore, it has been classified as a Variant of Uncertain Significance.

PreventionGenetics, part of Exact Sciences
Classification: Uncertain significance for IFT74-related condition. Last evaluated: 2024-08-26. Review status: no assertion criteria provided. Collection method: clinical testing. Allele origin: germline. Not counted in ClinVar's aggregate classification.
Comment: The IFT74 c.451G>A variant is predicted to result in the amino acid substitution p.Ala151Thr. To our knowledge, this variant has not been reported in the literature. This variant is reported in 0.0033% of alleles in individuals of South Asian descent in gnomAD. At this time, the clinical significance of this variant is uncertain due to the absence of conclusive functional and genetic evidence.

NM_025103.4(IFT74):c.451G>A (p.Ala151Thr)

Gene: IFT74 (intraflagellar transport 74; plus strand). Cytogenetic location: 9p21.2.
Variant type: single nucleotide variant.
Coding change: c.451G>A on transcript NM_025103.4 (MANE Select); coding-DNA position 451, G replaced by A.
Protein change: p.Ala151Thr; replaces alanine 151 with threonine.
Molecular consequence: missense variant.
Genome position (GRCh38, 1-based): chr9:26,984,545, G>A. VCF-style: chr9-26984545-G-A. GRCh37 (hg19) VCF-style: chr9-26984543-G-A.
Other names: c.451G>A, p.Ala151Thr (NM_001099222.3, NM_001099223.3, NM_001099224.3 and 1 more transcripts); c.451G>A (NM_025103.2); short protein forms A151T.
Identifiers: ClinVar variation 1933345 (VCV001933345.6), dbSNP rs189975083, ClinGen allele CA5014958.